The following is an entry in ClinVar:

ClinVar aggregate classification (germline): Benign/Likely benign. Review status: criteria provided, multiple submitters, no conflicts (2 of 4 stars). 6 submissions from 6 submitters: Benign (1); Likely benign (3). 2 of the submissions do not count toward it. Last evaluated 2026-01-28.

Conditions:
COL4A5-related disorder. Also called: COL4A5-related condition.
X-linked Alport syndrome (ATS1). Also called: NEPHROPATHY AND DEAFNESS, X-LINKED; COL4A5-Related Nephropathy. Identifiers: Orphanet 63, Orphanet 88917, MedGen C4746986, MONDO:0010520, OMIM 301050.

Allele frequency attached by ClinVar (database versions not stated): ExAC 0.00026; gnomAD exomes 0.00027; gnomAD 0.00028 and 0.00032; TOPMed 0.00033; 1000 Genomes Project 30x 0.00042; ESP Exome Variant Server 0.00047; 1000 Genomes Project 0.00053.
gnomAD v4.1: 672 of 1,209,552 alleles (0.056%); highest among the groups gnomAD compares: South Asian, 0.072%; 2 homozygotes.

Submissions (6):

Labcorp Genetics (formerly Invitae), Labcorp
Classification: Benign. Last evaluated: 2026-01-28. Review status: criteria provided, single submitter. Criteria: Invitae Variant Classification Sherloc (09022015). Collection method: clinical testing. Allele origin: germline.

Blueprint Genetics
Classification: Likely benign. Last evaluated: 2024-10-03. Review status: criteria provided, single submitter. Criteria: ACMG Guidelines, 2015. Collection method: clinical testing. Allele origin: germline.

GeneDx
Classification: Likely benign. Last evaluated: 2020-03-23. Review status: criteria provided, single submitter. Criteria: GeneDx Variant Classification Process June 2021. Collection method: clinical testing. Allele origin: germline. Affected: yes.

Laboratory for Molecular Medicine, Mass General Brigham Personalized Medicine
Classification: Likely benign. Last evaluated: 2017-08-23. Review status: criteria provided, single submitter. Criteria: LMM Criteria. Collection method: clinical testing. Allele origin: germline. Observed: 1 variant allele.
Comment: p.Gly1451Gly in exon 49 of COL4A5: This variant is not expected to have clinical significance because it does not alter an amino acid residue and is not located within the splice consensus sequence. It has been identified in 0.06% (6/10123) of South Asian chromosomes by the Exome Aggregation Consortium (ExAC; dbSNP rs146884759).

PreventionGenetics, part of Exact Sciences
Classification: Likely benign for COL4A5-related condition. Last evaluated: 2024-03-18. Review status: no assertion criteria provided. Collection method: clinical testing. Allele origin: germline. Not counted in ClinVar's aggregate classification.
Comment: This variant is classified as likely benign based on ACMG/AMP sequence variant interpretation guidelines (Richards et al. 2015 PMID: 25741868, with internal and published modifications).

Natera, Inc.
Classification: Likely benign for X-linked Alport syndrome. Last evaluated: 2019-12-31. Review status: no assertion criteria provided. Collection method: clinical testing. Allele origin: germline. Not counted in ClinVar's aggregate classification.

NM_033380.3(COL4A5):c.4353A>T (p.Gly1451=)

Gene: COL4A5 (collagen type IV alpha 5 chain; plus strand). Cytogenetic location: Xq22.3.
Variant type: single nucleotide variant.
Coding change: c.4353A>T on transcript NM_033380.3 (MANE Select); coding-DNA position 4353, A replaced by T.
Protein change: p.Gly1451=; no amino-acid change (glycine 1451 retained).
Molecular consequence: synonymous variant.
Genome position (GRCh38, 1-based): chrX:108,687,519, A>T. VCF-style: chrX-108687519-A-T. GRCh37 (hg19) VCF-style: chrX-107930749-A-T.
Other names: c.4335A>T, p.Gly1445= (NM_000495.5).
Identifiers: ClinVar variation 766805 (VCV000766805.21), dbSNP rs146884759, ClinGen allele CA10489348.